The following is an entry in ClinVar:

NM_000514.4(GDNF):c.*1389A>G

Gene: GDNF (glial cell derived neurotrophic factor; minus strand). Cytogenetic location: 5p13.2.
Variant type: single nucleotide variant.
Coding change: c.*1389A>G on transcript NM_000514.4 (MANE Select); 1389 bases downstream of the stop codon, A replaced by G.
Molecular consequence: 3 prime UTR variant.
Genome position (GRCh38, 1-based): chr5:37,814,262, T>C on the plus strand (A>G on the coding strand, the complement: GDNF is on the minus strand). VCF-style: chr5-37814262-T-C. GRCh37 (hg19) VCF-style: chr5-37814364-T-C.
Other names: c.*1389A>G (NM_001190468.1, NM_001190469.1, NM_001278098.1 and 1 more transcripts).
Identifiers: ClinVar variation 353500 (VCV000353500.5), dbSNP rs78613670, ClinGen allele CA10624723.

ClinVar aggregate classification (germline): Benign (1 of 4 stars; one submission).

Conditions:
Hirschsprung disease, susceptibility to, 3. Identifiers: Orphanet 388, MedGen C3150974, MONDO:0013383, OMIM 613711.

Allele frequency attached by ClinVar (database versions not stated): 1000 Genomes Project 0.00679; 1000 Genomes Project 30x 0.00734; TOPMed 0.01416; gnomAD 0.01496 and 0.01508.

Submission:

Illumina Laboratory Services, Illumina
Classification: Benign for Hirschsprung disease, susceptibility to, 3. Last evaluated: 2018-01-12. Review status: criteria provided, single submitter. Criteria: ICSL Variant Classification Criteria 13 December 2019. Collection method: clinical testing. Allele origin: germline.
Comment: This variant was observed in the ICSL laboratory as part of a predisposition screen in an ostensibly healthy population. It had not been previously curated by ICSL or reported in the Human Gene Mutation Database (HGMD: prior to June 1st, 2018), and was therefore a candidate for classification through an automated scoring system. Utilizing variant allele frequency, disease prevalence and penetrance estimates, and inheritance mode, an automated score was calculated to assess if this variant is too frequent to cause the disease. Based on the score and internal cut-off values, a variant classified as benign is not then subjected to further curation. The score for this variant resulted in a classification of benign for this disease.